The following is an entry in ClinVar:

ClinVar aggregate classification (germline): Uncertain significance (1 of 4 stars; one submission).

Submission:

Ambry Genetics
Classification: Uncertain significance. Last evaluated: 2026-06-14. Review status: criteria provided, single submitter. Criteria: Ambry Variant Classification Scheme 2023. Collection method: clinical testing. Allele origin: germline.
Comment: The p.D408Y variant (also known as c.1222G>T), located in coding exon 8 of the MYOM1 gene, results from a G to T substitution at nucleotide position 1222. The aspartic acid at codon 408 is replaced by tyrosine, an amino acid with highly dissimilar properties. This amino acid position is conserved. In addition, this alteration is predicted to be tolerated by in silico analysis. Based on the available evidence, the clinical significance of this variant remains unclear.

NM_003803.4(MYOM1):c.1222G>T (p.Asp408Tyr)

Gene: MYOM1 (myomesin 1; minus strand). Cytogenetic location: 18p11.31.
Variant type: single nucleotide variant.
Coding change: c.1222G>T on transcript NM_003803.4 (MANE Select); coding-DNA position 1222, G replaced by T.
Protein change: p.Asp408Tyr; replaces aspartic acid 408 with tyrosine.
Molecular consequence: missense variant.
Genome position (GRCh38, 1-based): chr18:3,168,934, C>A on the plus strand (G>T on the coding strand, the complement: MYOM1 is on the minus strand). VCF-style: chr18-3168934-C-A. GRCh37 (hg19) VCF-style: chr18-3168932-C-A.
Other names: c.1222G>T, p.Asp408Tyr (NM_019856.2); short protein forms D408Y.
Identifiers: ClinVar variation 4860684 (VCV004860684.1).